The following is an entry in ClinVar:

ClinVar aggregate classification (germline): Uncertain significance (1 of 4 stars; one submission).

Conditions:
Bloom syndrome (BLM). Also called: Bloom-Torre-Machacek syndrome. Identifiers: Orphanet 125, MedGen C0005859, MONDO:0008876, OMIM 210900.

Allele frequency attached by ClinVar (database versions not stated): gnomAD exomes below 0.00001.
gnomAD v4.1: 1 of 1,614,166 alleles (0.000062%); highest among the groups gnomAD compares: Non-Finnish European, 0.000085%; no homozygotes.

Submission:

Labcorp Genetics (formerly Invitae), Labcorp
Classification: Uncertain significance for Bloom syndrome. Last evaluated: 2025-03-16. Review status: criteria provided, single submitter. Criteria: Invitae Variant Classification Sherloc (09022015). Collection method: clinical testing. Allele origin: germline.
Comment: This sequence change replaces alanine, which is neutral and non-polar, with serine, which is neutral and polar, at codon 1341 of the BLM protein (p.Ala1341Ser). This variant is not present in population databases (gnomAD no frequency). This variant has not been reported in the literature in individuals affected with BLM-related conditions. ClinVar contains an entry for this variant (Variation ID: 648139). Invitae Evidence Modeling of protein sequence and biophysical properties (such as structural, functional, and spatial information, amino acid conservation, physicochemical variation, residue mobility, and thermodynamic stability) indicates that this missense variant is not expected to disrupt BLM protein function with a negative predictive value of 80%. In summary, the available evidence is currently insufficient to determine the role of this variant in disease. Therefore, it has been classified as a Variant of Uncertain Significance.

NM_000057.4(BLM):c.4021G>T (p.Ala1341Ser)

Gene: BLM (BLM RecQ like helicase; plus strand). Cytogenetic location: 15q26.1.
Variant type: single nucleotide variant.
Coding change: c.4021G>T on transcript NM_000057.4 (MANE Select); coding-DNA position 4021, G replaced by T.
Protein change: p.Ala1341Ser; replaces alanine 1341 with serine.
Molecular consequence: missense variant.
Genome position (GRCh38, 1-based): chr15:90,811,351, G>T. VCF-style: chr15-90811351-G-T. GRCh37 (hg19) VCF-style: chr15-91354581-G-T.
Other names: c.4021G>T, p.Ala1341Ser (NM_001287246.2); c.3628G>T, p.Ala1210Ser (NM_001287247.2); c.2896G>T, p.Ala966Ser (NM_001287248.2); short protein forms A1341S, A1210S, A966S.
Identifiers: ClinVar variation 648139 (VCV000648139.9), dbSNP rs1596273669, ClinGen allele CA393851305.